The following is an entry in ClinVar:

NM_004960.4(FUS):c.451C>T (p.Pro151Ser)

Gene: FUS (FUS RNA binding protein; plus strand). Cytogenetic location: 16p11.2.
Variant type: single nucleotide variant.
Coding change: c.451C>T on transcript NM_004960.4 (MANE Select); coding-DNA position 451, C replaced by T.
Protein change: p.Pro151Ser; replaces proline 151 with serine.
Molecular consequence: missense variant. On other transcripts: non-coding transcript variant (1).
Genome position (GRCh38, 1-based): chr16:31,184,324, C>T. VCF-style: chr16-31184324-C-T. GRCh37 (hg19) VCF-style: chr16-31195645-C-T.
Other names: c.448C>T, p.Pro150Ser (NM_001170634.1); c.451C>T, p.Pro151Ser (NM_001170937.1); short protein forms P150S, P151S.
Identifiers: ClinVar variation 4978714 (VCV004978714.1).
Genomic context (GRCh38, chr16:31,184,324, plus strand): 5'-AGCCAGCAGCCTAGCTATGGTGGACAGCAGCAAAGCTATGGACAGCAGCAAAGCTATAAT[C>T]CCCCTCAGGGCTATGGACAGCAGAACCAGTACAACAGCAGCAGTGGTGGTGGAGGTGGAG-3'
Protein context (NP_004951.1, residues 141-161): QSYGQQQSYN[Pro151Ser]PQGYGQQNQY

ClinVar aggregate classification (germline): Uncertain significance (1 of 4 stars; one submission).

Conditions:
FUS-related disorder. Also called: FUS-related condition.

Submission:

PreventionGenetics, part of Exact Sciences
Classification: Uncertain significance for FUS-related condition. Last evaluated: 2025-02-18. Review status: criteria provided, single submitter. Criteria: ACMG Guidelines, 2015. Collection method: clinical testing. Allele origin: germline.
Comment: The FUS c.451C>T variant is predicted to result in the amino acid substitution p.Pro151Ser. This variant was reported in individuals from early onset Alzheimer disease cohorts (Table S3 in Giau et al. 2019. PubMed ID: 31182772; Supplementary Table 12-4 in Chen et al. 2022. PubMed ID: 35861376). This variant is reported in 0.0054% of alleles in individuals of East Asian descent in gnomAD. At this time, the clinical significance of this variant is uncertain due to the absence of conclusive functional and genetic evidence.